The following is an entry in ClinVar:

NM_024844.5(NUP85):c.823G>A (p.Ala275Thr)

Gene: NUP85 (nucleoporin 85; plus strand). Cytogenetic location: 17q25.1.
Variant type: single nucleotide variant.
Coding change: c.823G>A on transcript NM_024844.5 (MANE Select); coding-DNA position 823, G replaced by A.
Protein change: p.Ala275Thr; replaces alanine 275 with threonine.
Molecular consequence: missense variant.
Genome position (GRCh38, 1-based): chr17:75,225,432, G>A. VCF-style: chr17-75225432-G-A. GRCh37 (hg19) VCF-style: chr17-73221527-G-A.
Other names: c.685G>A, p.Ala229Thr (NM_001303276.2); c.688G>A, p.Ala230Thr (NM_001330472.2); c.823G>A (NM_024844.4); short protein forms A229T, A230T, A275T.
Identifiers: ClinVar variation 1606519 (VCV001606519.24), dbSNP rs61760968, ClinGen allele CA8758616.
Genomic context (GRCh38, chr17:75,225,432, plus strand): 5'-GAGCTGAAGTGGCAGCACTGGCACGAGGAATGTGAGCGGTACCTCCAGGACAGCACATTC[G>A]CCACCAGCCCTCACCTGGAGTCTCTCTTGAAGGTCTGGGAAGCAGTTCAGATTGCATCCA-3'
Protein context (NP_079120.1, residues 265-285): CERYLQDSTF[Ala275Thr]TSPHLESLLK

ClinVar aggregate classification (germline): Benign/Likely benign. Review status: criteria provided, multiple submitters, no conflicts (2 of 4 stars). 4 submissions from 4 submitters: Benign (2); Likely benign (1). 1 of the submissions does not count toward it. Last evaluated 2026-05-01.

Conditions:
NUP85-related disorder. Also called: NUP85-related condition.

Allele frequency attached by ClinVar (database versions not stated): 1000 Genomes Project 0.00339; 1000 Genomes Project 30x 0.00375; ESP Exome Variant Server 0.00531; TOPMed 0.00543; ExAC 0.00544; gnomAD exomes 0.00553 and 0.00658; gnomAD 0.00561 and 0.00570.
gnomAD v4.1: 10,432 of 1,613,930 alleles (0.65%); highest among the groups gnomAD compares: Non-Finnish European, 0.75%; 37 homozygotes.

Submissions (4):

CeGaT Center for Human Genetics Tuebingen
Classification: Likely benign. Last evaluated: 2026-05-01. Review status: criteria provided, single submitter. Criteria: CeGaT Center For Human Genetics Tuebingen Variant Classification Criteria Version 2. Collection method: clinical testing. Allele origin: germline. Affected: yes. Observed: 3 variant alleles.
Comment: NUP85: BP4, BS2

Labcorp Genetics (formerly Invitae), Labcorp
Classification: Benign. Last evaluated: 2026-01-27. Review status: criteria provided, single submitter. Criteria: Invitae Variant Classification Sherloc (09022015). Collection method: clinical testing. Allele origin: germline.

Breakthrough Genomics
Classification: Benign. Review status: criteria provided, single submitter. Criteria: ACMG Guidelines, 2015. Collection method: not provided. Allele origin: germline. Inheritance: Autosomal recessive inheritance. Affected: yes.

PreventionGenetics, part of Exact Sciences
Classification: Benign for NUP85-related condition. Last evaluated: 2019-09-04. Review status: no assertion criteria provided. Collection method: clinical testing. Allele origin: germline. Not counted in ClinVar's aggregate classification.
Comment: This variant is classified as benign based on ACMG/AMP sequence variant interpretation guidelines (Richards et al. 2015 PMID: 25741868, with internal and published modifications).